The following is an entry in ClinVar:

NM_000383.4(AIRE):c.1595C>T (p.Ala532Val)

Gene: AIRE (autoimmune regulator; plus strand). Cytogenetic location: 21q22.3.
Variant type: single nucleotide variant.
Coding change: c.1595C>T on transcript NM_000383.4 (MANE Select); coding-DNA position 1595, C replaced by T.
Protein change: p.Ala532Val; replaces alanine 532 with valine.
Molecular consequence: missense variant.
Genome position (GRCh38, 1-based): chr21:44,297,684, C>T. VCF-style: chr21-44297684-C-T. GRCh37 (hg19) VCF-style: chr21-45717567-C-T.
Other names: short protein forms A532V.
Identifiers: ClinVar variation 3014944 (VCV003014944.3), dbSNP rs748469608, ClinGen allele CA10052225.

ClinVar aggregate classification (germline): Uncertain significance (1 of 4 stars; one submission).

Conditions:
Polyglandular autoimmune syndrome, type 1 (APS1). Also called: HYPOADRENOCORTICISM WITH HYPOPARATHYROIDISM AND SUPERFICIAL MONILIASIS; Autoimmune polyendocrinopathy syndrome, type I; PGA I; Autoimmune polyendocrinopathy syndrome , type I, with or without reversible metaphyseal dysplasia; AUTOIMMUNE POLYENDOCRINE SYNDROME, TYPE I, WITH OR WITHOUT REVERSIBLE METAPHYSEAL DYSPLASIA; APS I. Identifiers: Orphanet 3453, MedGen C0085859, MONDO:0009411, OMIM 240300.

Allele frequency attached by ClinVar (database versions not stated): TOPMed below 0.00001; ExAC 0.00001; gnomAD exomes 0.00001.

Submission:

Labcorp Genetics (formerly Invitae), Labcorp
Classification: Uncertain significance for Polyglandular autoimmune syndrome, type 1. Last evaluated: 2026-01-29. Review status: criteria provided, single submitter. Criteria: Invitae Variant Classification Sherloc (09022015). Collection method: clinical testing. Allele origin: germline.
Comment: This sequence change replaces alanine, which is neutral and non-polar, with valine, which is neutral and non-polar, at codon 532 of the AIRE protein (p.Ala532Val). The frequency data for this variant in the population databases is considered unreliable, as metrics indicate poor data quality at this position in the gnomAD database. This variant has not been reported in the literature in individuals affected with AIRE-related conditions. ClinVar contains an entry for this variant (Variation ID: 3014944). Invitae Evidence Modeling of protein sequence and biophysical properties (such as structural, functional, and spatial information, amino acid conservation, physicochemical variation, residue mobility, and thermodynamic stability) indicates that this missense variant is expected to disrupt AIRE protein function with a positive predictive value of 95%. In summary, the available evidence is currently insufficient to determine the role of this variant in disease. Therefore, it has been classified as a Variant of Uncertain Significance.